The following is an entry in ClinVar:

ClinVar aggregate classification (germline): Uncertain significance. Review status: criteria provided, multiple submitters, no conflicts (2 of 4 stars). 2 submissions from 2 submitters: Uncertain significance (2). Last evaluated 2021-02-05.

Allele frequency attached by ClinVar (database versions not stated): gnomAD exomes below 0.00001; TOPMed below 0.00001.
gnomAD v4.1: 3 of 1,614,030 alleles (0.00019%); highest among the groups gnomAD compares: African/African-American, 0.0027%; no homozygotes.

Submissions (2):

Labcorp Genetics (formerly Invitae), Labcorp
Classification: Uncertain significance. Last evaluated: 2021-02-05. Review status: criteria provided, single submitter. Criteria: Invitae Variant Classification Sherloc (09022015). Collection method: clinical testing. Allele origin: germline.
Comment: In summary, the available evidence is currently insufficient to determine the role of this variant in disease. Therefore, it has been classified as a Variant of Uncertain Significance. Algorithms developed to predict the effect of missense changes on protein structure and function (SIFT, PolyPhen-2, Align-GVGD) all suggest that this variant is likely to be tolerated, but these predictions have not been confirmed by published functional studies and their clinical significance is uncertain. This variant has not been reported in the literature in individuals with SLC24A1-related conditions. This variant is not present in population databases (ExAC no frequency). This sequence change replaces proline with threonine at codon 409 of the SLC24A1 protein (p.Pro409Thr). The proline residue is weakly conserved and there is a small physicochemical difference between proline and threonine.

Blueprint Genetics
Classification: Uncertain significance. Last evaluated: 2020-02-18. Review status: criteria provided, single submitter. Criteria: ACMG Guidelines, 2015. Collection method: clinical testing. Allele origin: germline.

NM_004727.3(SLC24A1):c.1225C>A (p.Pro409Thr)

Gene: SLC24A1 (solute carrier family 24 member 1; plus strand). Cytogenetic location: 15q22.31.
Variant type: single nucleotide variant.
Coding change: c.1225C>A on transcript NM_004727.3 (MANE Select); coding-DNA position 1225, C replaced by A.
Protein change: p.Pro409Thr; replaces proline 409 with threonine.
Molecular consequence: missense variant.
Genome position (GRCh38, 1-based): chr15:65,625,305, C>A. VCF-style: chr15-65625305-C-A. GRCh37 (hg19) VCF-style: chr15-65917643-C-A.
Other names: c.1225C>A, p.Pro409Thr (NM_001301031.1, NM_001301032.1, NM_001301033.2); short protein forms P409T.
Identifiers: ClinVar variation 1462760 (VCV001462760.9), dbSNP rs1400808532, ClinGen allele CA392917018.